The following is an entry in ClinVar:

NM_004667.6(HERC2):c.8202G>T (p.Thr2734=)

Gene: HERC2 (HECT and RLD domain containing E3 ubiquitin protein ligase 2; minus strand). Cytogenetic location: 15q13.1.
Variant type: single nucleotide variant.
Coding change: c.8202G>T on transcript NM_004667.6 (MANE Select); coding-DNA position 8202, G replaced by T.
Protein change: p.Thr2734=; no amino-acid change (threonine 2734 retained).
Molecular consequence: synonymous variant.
Genome position (GRCh38, 1-based): chr15:28,196,273, C>A on the plus strand (G>T on the coding strand, the complement: HERC2 is on the minus strand). VCF-style: chr15-28196273-C-A. GRCh37 (hg19) VCF-style: chr15-28441419-C-A.
Identifiers: ClinVar variation 5039881 (VCV005039881.1).

ClinVar aggregate classification (germline): Likely benign (1 of 4 stars; one submission).

Submission:

CeGaT Center for Human Genetics Tuebingen
Classification: Likely benign. Last evaluated: 2026-08-01. Review status: criteria provided, single submitter. Criteria: CeGaT Center For Human Genetics Tuebingen Variant Classification Criteria Version 2. Collection method: clinical testing. Allele origin: germline. Affected: yes. Observed: 1 variant allele.
Comment: HERC2: BP4, BP7